The following is an entry in ClinVar:

ClinVar aggregate classification (germline): Uncertain significance. Review status: criteria provided, multiple submitters, no conflicts (2 of 4 stars). 5 submissions from 5 submitters: Uncertain significance (5). Last evaluated 2026-01-16.

Conditions:
Cardiovascular phenotype. Identifiers: MedGen CN230736.
Hypertrophic cardiomyopathy 26. Also called: Cardiomyopathy, familial hypertrophic, 26. Identifiers: Orphanet 75249, MedGen C4310749, MONDO:0014883, OMIM 617047.
Distal myopathy with posterior leg and anterior hand involvement. Also called: WILLIAMS DISTAL MYOPATHY. Identifiers: Orphanet 63273, MedGen C3279722, MONDO:0013550, OMIM 614065.
Myofibrillar myopathy 5. Also called: Filaminopathy (type); FILAMINOPATHY, AUTOSOMAL DOMINANT. Identifiers: Orphanet 171445, MedGen C1836050, MONDO:0012289, OMIM 609524.
FLNC-related disorder. Also called: FLNC-related disorders; FLNC-related condition.

Allele frequency attached by ClinVar (database versions not stated): TOPMed 0.00015; gnomAD exomes 0.00001; gnomAD 0.00008 and 0.00009.
gnomAD v4.1: 16 of 1,613,868 alleles (0.00099%); highest among the groups gnomAD compares: Admixed American, 0.025%; no homozygotes.

Submissions (5):

Labcorp Genetics (formerly Invitae), Labcorp
Classification: Uncertain significance for Distal myopathy with posterior leg and anterior hand involvement; Myofibrillar myopathy 5; Hypertrophic cardiomyopathy 26. Last evaluated: 2026-01-16. Review status: criteria provided, single submitter. Criteria: Invitae Variant Classification Sherloc (09022015). Collection method: clinical testing. Allele origin: germline.
Comment: This sequence change replaces asparagine, which is neutral and polar, with histidine, which is basic and polar, at codon 390 of the FLNC protein (p.Asn390His). This variant is present in population databases (no rsID available, gnomAD 0.003%). This variant has not been reported in the literature in individuals affected with FLNC-related conditions. ClinVar contains an entry for this variant (Variation ID: 539427). Invitae Evidence Modeling of protein sequence and biophysical properties (such as structural, functional, and spatial information, amino acid conservation, physicochemical variation, residue mobility, and thermodynamic stability) has been performed for this missense variant. However, the output from this modeling did not meet the statistical confidence thresholds required to predict the impact of this variant on FLNC protein function. In summary, the available evidence is currently insufficient to determine the role of this variant in disease. Therefore, it has been classified as a Variant of Uncertain Significance.

PreventionGenetics, part of Exact Sciences
Classification: Uncertain significance for FLNC-related condition. Last evaluated: 2025-12-19. Review status: criteria provided, single submitter. Criteria: ACMG Guidelines, 2015. Collection method: clinical testing. Allele origin: germline.
Comment: The FLNC c.1168A>C variant is predicted to result in the amino acid substitution p.Asn390His. This variant was reported in a large cardiomyopathy cohort; however, evidence for pathogenicity was not provided (Table S2, Akinrinade et al. 2023. PubMed ID: 37477868). This variant is reported in 0.0029% of alleles in individuals of Latino descent in gnomAD. At this time, the clinical significance of this variant is uncertain due to the absence of conclusive functional and genetic evidence.

Ambry Genetics
Classification: Uncertain significance for Cardiovascular phenotype. Last evaluated: 2024-10-02. Review status: criteria provided, single submitter. Criteria: Ambry Variant Classification Scheme 2023. Collection method: clinical testing. Allele origin: germline.
Comment: The p.N390H variant (also known as c.1168A>C), located in coding exon 7 of the FLNC gene, results from an A to C substitution at nucleotide position 1168. The asparagine at codon 390 is replaced by histidine, an amino acid with similar properties. This variant has been reported in an individual in a cardiomyopathy cohort, but clinical details were limited (Akinrinade O et al. J Cardiovasc Transl Res, 2023 Dec;16:1287-1302). This amino acid position is highly conserved in available vertebrate species. In addition, the in silico prediction for this alteration is inconclusive. Based on the available evidence, the clinical significance of this variant remains unclear.

GeneDx
Classification: Uncertain significance. Last evaluated: 2022-12-22. Review status: criteria provided, single submitter. Criteria: GeneDx Variant Classification Process June 2021. Collection method: clinical testing. Allele origin: germline. Affected: yes.
Comment: In silico analysis supports that this missense variant has a deleterious effect on protein structure/function; Has not been previously published as pathogenic or benign to our knowledge

Revvity Omics, Revvity
Classification: Uncertain significance. Last evaluated: 2021-04-09. Review status: criteria provided, single submitter. Criteria: ACMG Guidelines, 2015. Collection method: clinical testing. Allele origin: germline.

Literature cited by the submitters: PubMed 37477868 (cited by Ambry Genetics).

NM_001458.5(FLNC):c.1168A>C (p.Asn390His)

Gene: FLNC (filamin C; plus strand). Cytogenetic location: 7q32.1.
Variant type: single nucleotide variant.
Coding change: c.1168A>C on transcript NM_001458.5 (MANE Select); coding-DNA position 1168, A replaced by C.
Protein change: p.Asn390His; replaces asparagine 390 with histidine.
Molecular consequence: missense variant.
Genome position (GRCh38, 1-based): chr7:128,838,387, A>C. VCF-style: chr7-128838387-A-C. GRCh37 (hg19) VCF-style: chr7-128478441-A-C.
Other names: c.1168A>C, p.Asn390His (NM_001127487.2); short protein forms N390H.
Identifiers: ClinVar variation 539427 (VCV000539427.12), dbSNP rs922960289, ClinGen allele CA166214934.